The following is an entry in ClinVar:

NM_001001331.4(ATP2B2):c.2299C>A (p.Arg767Ser)

Gene: ATP2B2 (ATPase plasma membrane Ca2+ transporting 2; minus strand). Cytogenetic location: 3p25.3.
Variant type: single nucleotide variant.
Coding change: c.2299C>A on transcript NM_001001331.4 (MANE Select); coding-DNA position 2299, C replaced by A.
Protein change: p.Arg767Ser; replaces arginine 767 with serine.
Molecular consequence: missense variant.
Genome position (GRCh38, 1-based): chr3:10,350,415, G>T on the plus strand (C>A on the coding strand, the complement: ATP2B2 is on the minus strand). VCF-style: chr3-10350415-G-T. GRCh37 (hg19) VCF-style: chr3-10392099-G-T.
Other names: c.2164C>A, p.Arg722Ser (NM_001330611.3, NM_001353564.1, NM_001363862.1 and 2 more transcripts); c.2206C>A, p.Arg736Ser (NM_001438646.1); short protein forms R722S, R736S, R767S.
Identifiers: ClinVar variation 5032355 (VCV005032355.1).

ClinVar aggregate classification (germline): Uncertain significance (1 of 4 stars; one submission).

gnomAD v4.1: 1 of 1,614,192 alleles (0.000062%); highest among the groups gnomAD compares: Admixed American, 0.0017%; no homozygotes.

Submission:

Ambry Genetics
Classification: Uncertain significance. Last evaluated: 2026-09-10. Review status: criteria provided, single submitter. Criteria: Ambry Variant Classification Scheme 2023. Collection method: clinical testing. Allele origin: germline.
Comment: The c.2164C>A (p.R722S) alteration is located in exon 12 (coding exon 11) of the ATP2B2 gene. This alteration results from a C to A substitution at nucleotide position 2164, causing the arginine (R) at amino acid position 722 to be replaced by a serine (S). Based on data from gnomAD, the A allele has an overall frequency of <0.001% (1/251426) total alleles studied. The highest observed frequency was 0.003% (1/34588) of Latino alleles. Based on insufficient or conflicting evidence, the clinical significance of this alteration remains unclear.